The following is an entry in ClinVar:

ClinVar aggregate classification (germline): Likely benign (1 of 4 stars; one submission).

gnomAD v4.1: 1 of 1,613,810 alleles (0.000062%); highest among the groups gnomAD compares: African/African-American, 0.0013%; no homozygotes.

Submission:

CeGaT Center for Human Genetics Tuebingen
Classification: Likely benign. Last evaluated: 2026-09-01. Review status: criteria provided, single submitter. Criteria: CeGaT Center For Human Genetics Tuebingen Variant Classification Criteria Version 2. Collection method: clinical testing. Allele origin: germline. Affected: yes. Observed: 1 variant allele.
Comment: ARFGEF2: BP4, BP7

NM_006420.3(ARFGEF2):c.1692G>A (p.Leu564=)

Gene: ARFGEF2 (ARF guanine nucleotide exchange factor 2; plus strand). Cytogenetic location: 20q13.13.
Variant type: single nucleotide variant.
Coding change: c.1692G>A on transcript NM_006420.3 (MANE Select); coding-DNA position 1692, G replaced by A.
Protein change: p.Leu564=; no amino-acid change (leucine 564 retained).
Molecular consequence: synonymous variant.
Genome position (GRCh38, 1-based): chr20:48,974,792, G>A. VCF-style: chr20-48974792-G-A. GRCh37 (hg19) VCF-style: chr20-47591329-G-A.
Other names: c.1689G>A, p.Leu563= (NM_001410846.1).
Identifiers: ClinVar variation 5041682 (VCV005041682.1).
Genomic context (GRCh38, chr20:48,974,792, plus strand): 5'-TTAAGTCTCTTTCCTGTGTGACTTCGTCCCTTAGGAGCTCAGCCTGAGGAAGAAAGGCCT[G>A]GAGTGCCTCGTGTCCATTCTCAAGTGCATGGTGGAGTGGAGCAAAGACCTGTATGTGAAT-3'
Protein context (NP_006411.2, residues 554-574): LQELSLRKKG[Leu564=]ECLVSILKCM